The following is an entry in ClinVar:

ClinVar aggregate classification (germline): Uncertain significance (1 of 4 stars; one submission).

Conditions:
Cardiovascular phenotype. Identifiers: MedGen CN230736.

Submission:

Ambry Genetics
Classification: Uncertain significance for Cardiovascular phenotype. Last evaluated: 2026-03-12. Review status: criteria provided, single submitter. Criteria: Ambry Variant Classification Scheme 2023. Collection method: clinical testing. Allele origin: germline.
Comment: The p.A2145E variant (also known as c.6434C>A), located in coding exon 2 of the ZNF469 gene, results from a C to A substitution at nucleotide position 6434. The alanine at codon 2145 is replaced by glutamic acid, an amino acid with dissimilar properties. This amino acid position is conserved. In addition, this alteration is predicted to be tolerated by in silico analysis. Based on the available evidence, the clinical significance of this variant remains unclear.

NM_001127464.1:c.6434C>A

Gene: ZNF469 (zinc finger protein 469; plus strand).
Variant type: single nucleotide variant.
Identifiers: ClinVar variation 4826339 (VCV004826339.1).